The following is an entry in ClinVar:

NM_004385.5(VCAN):c.4066C>A (p.Pro1356Thr)

Genes: VCAN (versican; plus strand), VCAN-AS1 (VCAN antisense RNA 1; minus strand). Cytogenetic location: 5q14.3.
Variant type: single nucleotide variant.
Coding change: c.4066C>A on transcript NM_004385.5 (MANE Select); coding-DNA position 4066, C replaced by A.
Protein change: p.Pro1356Thr; replaces proline 1356 with threonine.
Molecular consequence: missense variant. On other transcripts: intron variant (2).
Genome position (GRCh38, 1-based): chr5:83,537,069, C>A. VCF-style: chr5-83537069-C-A. GRCh37 (hg19) VCF-style: chr5-82832888-C-A.
Other names: c.1105C>A, p.Pro369Thr (NM_001164097.2); c.4004-8468C>A (NM_001164098.2); c.1043-8468C>A (NM_001126336.3); short protein forms P1356T, P369T.
Identifiers: ClinVar variation 2707514 (VCV002707514.3), dbSNP rs2479101721, ClinGen allele CA360307425.
Genomic context (GRCh38, chr5:83,537,069, plus strand): 5'-CGAATGAGTGATTTGAGTGTAATTGGTCATCCAATAGATTCAGAATCTAAAGAAGATGAA[C>A]CTTGTAGTGAAGAAACAGATCCAGTGCATGATCTAATGGCTGAAATTTTACCTGAATTCC-3'
Protein context (NP_004376.2, residues 1346-1366): PIDSESKEDE[Pro1356Thr]CSEETDPVHD

ClinVar aggregate classification (germline): Uncertain significance (1 of 4 stars; one submission).

Submission:

Labcorp Genetics (formerly Invitae), Labcorp
Classification: Uncertain significance. Last evaluated: 2023-07-25. Review status: criteria provided, single submitter. Criteria: Invitae Variant Classification Sherloc (09022015). Collection method: clinical testing. Allele origin: germline.
Comment: This variant has not been reported in the literature in individuals affected with VCAN-related conditions. An algorithm developed to predict the effect of missense changes on protein structure and function (PolyPhen-2) suggests that this variant is likely to be disruptive. In summary, the available evidence is currently insufficient to determine the role of this variant in disease. Therefore, it has been classified as a Variant of Uncertain Significance. This variant is not present in population databases (gnomAD no frequency). This sequence change replaces proline, which is neutral and non-polar, with threonine, which is neutral and polar, at codon 1356 of the VCAN protein (p.Pro1356Thr).